The following is an entry in ClinVar:

NM_001287491.2(TET3):c.1497GGCCCC[1] (p.500AP[1])

Gene: TET3 (tet methylcytosine dioxygenase 3; plus strand). Cytogenetic location: 2p13.1.
Variant type: Microsatellite.
Coding change: c.1497GGCCCC[1] on transcript NM_001287491.2 (MANE Select); one copy of the 6-base unit GGCCCC starting at c.1497; the reference has two copies in a row; one copy, 6 bases deleted; also written c.1503_1508del.
Protein change: p.500AP[1].
Genome position (GRCh38, 1-based): chr2:74,047,420-74,047,425, GGCCCC deleted; deleting any 6 consecutive bases within chr2:74,047,410-74,047,425 gives the same sequence; the position shown is the placement nearest the transcript's 3' end. VCF-style (leftmost placement, unchanged base first): chr2-74047409-TCCCCGG-T. GRCh37 (hg19) VCF-style: chr2-74274536-TCCCCGG-T.
Other names: c.1218GGCCCC[1], p.407AP[1] (NM_001366022.1); c.1503_1508del (NM_001287491.2).
Identifiers: ClinVar variation 3391103 (VCV003391103.3).
Genomic context (GRCh38, chr2:74,047,409, plus strand): 5'-TTCAAGCGGCCTGAGGCCCTGCCTACCAAGCCCAAGGTCAAGGTGGAGGCACCCTCTTCC[TCCCCGG>T]CCCCGGCCCCATCCCCTGTACTTCAGAGGGAGGCTCCCACGCCATCCTCGGAGCCCGACA-3'

ClinVar aggregate classification (germline): Uncertain significance. Review status: criteria provided, multiple submitters, no conflicts (2 of 4 stars). 2 submissions from 2 submitters: Uncertain significance (2). Last evaluated 2026-05-01.

Conditions:
Beck-Fahrner syndrome (BEFAHRS). Identifiers: Orphanet 684216, MedGen C5394097, MONDO:0032922, OMIM 618798.

Submissions (2):

CeGaT Center for Human Genetics Tuebingen
Classification: Uncertain significance. Last evaluated: 2026-05-01. Review status: criteria provided, single submitter. Criteria: CeGaT Center For Human Genetics Tuebingen Variant Classification Criteria Version 2. Collection method: clinical testing. Allele origin: germline. Affected: yes. Observed: 1 variant allele.
Comment: TET3: PM4

Genomic Medicine Center of Excellence, King Faisal Specialist Hospital and Research Centre
Classification: Uncertain significance for Beck-Fahrner syndrome. Last evaluated: 2024-12-18. Review status: criteria provided, single submitter. Criteria: ACMG Guidelines, 2015. Collection method: clinical testing. Allele origin: germline.